The following is an entry in ClinVar:

ClinVar aggregate classification (germline): Likely benign (1 of 4 stars; one submission).

Allele frequency attached by ClinVar (database versions not stated): gnomAD 0.02356 and 0.02608; 1000 Genomes Project 30x 0.03841; TOPMed 0.02333; 1000 Genomes Project 0.04073.

Submission:

GeneDx
Classification: Likely benign. Last evaluated: 2018-06-14. Review status: criteria provided, single submitter. Criteria: GeneDx Variant Classification (06012015). Collection method: clinical testing. Allele origin: germline. Affected: yes.
Comment: This variant is considered likely benign or benign based on one or more of the following criteria: it is a conservative change, it occurs at a poorly conserved position in the protein, it is predicted to be benign by multiple in silico algorithms, and/or has population frequency not consistent with disease.

NM_018109.3(MTPAP):c.-255G>A

Gene: MTPAP (mitochondrial poly(A) polymerase; minus strand). Cytogenetic location: 10p11.23.
Variant type: single nucleotide variant.
Coding change: c.-255G>A on transcript NM_018109.3; 255 bases upstream of the start codon, G replaced by A.
Genome position (GRCh38, 1-based): chr10:30,349,530, C>T on the plus strand (G>A on the coding strand, the complement: MTPAP is on the minus strand). VCF-style: chr10-30349530-C-T. GRCh37 (hg19) VCF-style: chr10-30638459-C-T.
Identifiers: ClinVar variation 683221 (VCV000683221.3), dbSNP rs3824710, ClinGen allele CA205291003.